The following is an entry in ClinVar:

ClinVar aggregate classification (germline): Uncertain significance (1 of 4 stars; one submission).

gnomAD v4.1: 4 of 1,612,950 alleles (0.00025%); highest among the groups gnomAD compares: Non-Finnish European, 0.00025%; no homozygotes.

Submission:

Labcorp Genetics (formerly Invitae), Labcorp
Classification: Uncertain significance. Last evaluated: 2025-03-22. Review status: criteria provided, single submitter. Criteria: Invitae Variant Classification Sherloc (09022015). Collection method: clinical testing. Allele origin: germline.
Comment: This sequence change replaces valine, which is neutral and non-polar, with leucine, which is neutral and non-polar, at codon 39 of the CETP protein (p.Val39Leu). This variant is present in population databases (rs766986850, gnomAD 0.003%). This variant has not been reported in the literature in individuals affected with CETP-related conditions. Invitae Evidence Modeling of protein sequence and biophysical properties (such as structural, functional, and spatial information, amino acid conservation, physicochemical variation, residue mobility, and thermodynamic stability) has been performed for this missense variant. However, the output from this modeling did not meet the statistical confidence thresholds required to predict the impact of this variant on CETP protein function. In summary, the available evidence is currently insufficient to determine the role of this variant in disease. Therefore, it has been classified as a Variant of Uncertain Significance.

NM_000078.3(CETP):c.115G>T (p.Val39Leu)

Gene: CETP (cholesteryl ester transfer protein; plus strand). Cytogenetic location: 16q13.
Variant type: single nucleotide variant.
Coding change: c.115G>T on transcript NM_000078.3 (MANE Select); coding-DNA position 115, G replaced by T.
Protein change: p.Val39Leu; replaces valine 39 with leucine.
Molecular consequence: missense variant.
Genome position (GRCh38, 1-based): chr16:56,962,094, G>T. VCF-style: chr16-56962094-G-T. GRCh37 (hg19) VCF-style: chr16-56996006-G-T.
Other names: c.115G>T, p.Val39Leu (NM_001286085.2); short protein forms V39L.
Identifiers: ClinVar variation 4701097 (VCV004701097.1).